The following is an entry in ClinVar:

ClinVar aggregate classification (germline): Uncertain significance. Review status: criteria provided, multiple submitters, no conflicts (2 of 4 stars). 3 submissions from 3 submitters: Uncertain significance (3). Last evaluated 2023-04-11.

Conditions:
Pyridoxine-dependent epilepsy (EPEO4). Also called: Pyridoxine-Dependent Seizures; Pyridoxine-Dependent Epilepsy - ALDH7A1; PYRIDOXINE DEPENDENCY WITH SEIZURES; EPILEPSY, EARLY-ONSET, 4, VITAMIN B6-DEPENDENT. Identifiers: Orphanet 3006, MedGen C1849508, MONDO:0009945, OMIM 266100. Disease mechanism: loss of function.

Allele frequency attached by ClinVar (database versions not stated): ExAC 0.00005; TOPMed 0.00001; gnomAD exomes 0.00001.

Submissions (3):

Genome-Nilou Lab
Classification: Uncertain significance for Pyridoxine-dependent epilepsy. Last evaluated: 2023-04-11. Review status: criteria provided, single submitter. Criteria: ACMG Guidelines, 2015. Collection method: clinical testing. Allele origin: germline. Affected: no.

Labcorp Genetics (formerly Invitae), Labcorp
Classification: Uncertain significance for Pyridoxine-dependent epilepsy. Last evaluated: 2022-06-30. Review status: criteria provided, single submitter. Criteria: Invitae Variant Classification Sherloc (09022015). Collection method: clinical testing. Allele origin: germline.
Comment: This sequence change replaces proline, which is neutral and non-polar, with serine, which is neutral and polar, at codon 5 of the ALDH7A1 protein (p.Pro5Ser). This variant is present in population databases (rs745921838, gnomAD 0.01%). This variant has not been reported in the literature in individuals affected with ALDH7A1-related conditions. ClinVar contains an entry for this variant (Variation ID: 204867). Advanced modeling of protein sequence and biophysical properties (such as structural, functional, and spatial information, amino acid conservation, physicochemical variation, residue mobility, and thermodynamic stability) performed at Invitae indicates that this missense variant is not expected to disrupt ALDH7A1 protein function. In summary, the available evidence is currently insufficient to determine the role of this variant in disease. Therefore, it has been classified as a Variant of Uncertain Significance.

GeneDx
Classification: Uncertain significance. Last evaluated: 2014-10-06. Review status: criteria provided, single submitter. Criteria: GeneDx Variant Classification (06012015). Collection method: clinical testing. Allele origin: germline. Affected: yes.
Comment: p.Pro5Ser (CCT>TCT): c.13 C>T in exon 1 of the ALDH7A1 gene (NM_001182.4). The P5S variant has not been published as a mutation, nor has it been reported as a benign polymorphism to our knowledge. It was not observed in approximately 2,300 individuals of European and African American ancestry in the NHLBI Exome Sequencing Project, indicating it is not a common benign variant in these populations. The P5S variant is a non-conservative amino acid substitution, which is likely to impact secondary protein structure as these residues differ in polarity, charge, size and/or other properties. However, this substitution occurs at a position that is not conserved across species, and Serine is observed at this position in other species. Additionally, in silico analysis predicts this variant likely does not alter the protein structure/function. Therefore, based on the currently available information, it is unclear whether this variant is a pathogenic mutation or a rare benign variant. The variant is found in EPILEPSY panel(s).

NM_001182.5(ALDH7A1):c.13C>T (p.Pro5Ser)

Gene: ALDH7A1 (aldehyde dehydrogenase 7 family member A1; minus strand). Cytogenetic location: 5q23.2.
Variant type: single nucleotide variant.
Coding change: c.13C>T on transcript NM_001182.5 (MANE Select); coding-DNA position 13, C replaced by T.
Protein change: p.Pro5Ser; replaces proline 5 with serine.
Molecular consequence: missense variant. On other transcripts: 5 prime UTR variant (1).
Genome position (GRCh38, 1-based): chr5:126,595,186, G>A on the plus strand (C>T on the coding strand, the complement: ALDH7A1 is on the minus strand). VCF-style: chr5-126595186-G-A. GRCh37 (hg19) VCF-style: chr5-125930878-G-A.
Other names: p.P5S:CCT>TCT; c.-72C>T (NM_001201377.2); c.13C>T, p.Pro5Ser (NM_001202404.2); short protein forms P5S.
Identifiers: ClinVar variation 204867 (VCV000204867.7), dbSNP rs745921838, ClinGen allele CA313239.